The following is an entry in ClinVar:

ClinVar aggregate classification (germline): Conflicting classifications of pathogenicity. Review status: criteria provided, conflicting classifications (1 of 4 stars). 4 submissions from 4 submitters: Uncertain significance (3); Likely benign (1). Last evaluated 2025-05-14.

Conditions:
Hereditary breast ovarian cancer syndrome. Also called: Hereditary breast and ovarian cancer syndrome (HBOC); Breast and ovarian cancer; Hereditary breast and ovarian cancer syndrome; Hereditary breast and ovarian cancer; Hereditary breast and/or ovarian cancer syndrome; BRCA1- and BRCA2-Associated Hereditary Breast and Ovarian Cancer. Identifiers: Orphanet 145, MedGen C0677776, MeSH D061325, MONDO:0003582. Disease mechanism: loss of function.
Hereditary cancer-predisposing syndrome. Also called: Hereditary Cancer Syndrome; Hereditary neoplastic syndrome; Neoplastic Syndromes, Hereditary; Tumor predisposition. Identifiers: Orphanet 140162, MedGen C0027672, MeSH D009386, MONDO:0015356.
Breast-ovarian cancer, familial, susceptibility to, 1 (BROVCA1). Also called: BRCA1 Hereditary Breast and Ovarian Cancer; OVARIAN CANCER, SUSCEPTIBILITY TO. Identifiers: Orphanet 145, MedGen C2676676, MONDO:0011450, OMIM 604370. Disease mechanism: loss of function.

gnomAD v4.1: 1 of 1,598,090 alleles (0.000063%); highest among the groups gnomAD compares: Non-Finnish European, 0.000085%; no homozygotes.

Submissions (4):

Labcorp Genetics (formerly Invitae), Labcorp
Classification: Likely benign for Hereditary breast ovarian cancer syndrome. Last evaluated: 2025-05-14. Review status: criteria provided, single submitter. Criteria: Invitae Variant Classification Sherloc (09022015). Collection method: clinical testing. Allele origin: germline.

All of Us Research Program, National Institutes of Health
Classification: Uncertain significance for Breast-ovarian cancer, familial, susceptibility to, 1. Last evaluated: 2023-08-15. Review status: criteria provided, single submitter. Criteria: ACMG Guidelines, 2015. Collection method: clinical testing. Allele origin: germline. Inheritance: Autosomal dominant inheritance. Observed: 1 variant allele, 1 heterozygote.
Comment: This variant causes a T to G nucleotide substitution at the -11 position of intron 9 of the BRCA1 gene. To our knowledge, functional studies have not been reported for this variant. This variant has not been reported in individuals affected with BRCA1-related disorders in the literature. This variant has not been identified in the general population by the Genome Aggregation Database (gnomAD). The available evidence is insufficient to determine the role of this variant in disease conclusively. Therefore, this variant is classified as a Variant of Uncertain Significance.

This study involves interpretation of variants in research participants for the purpose of population health screening. Participant phenotype was not available at the time of variant classification. Additional details can be found in publication PMID: 35346344, PMCID: PMC8962531

Color Diagnostics, LLC DBA Color Health
Classification: Uncertain significance for Hereditary cancer-predisposing syndrome. Last evaluated: 2023-04-04. Review status: criteria provided, single submitter. Criteria: ACMG Guidelines, 2015. Collection method: clinical testing. Allele origin: germline.
Comment: This variant causes a T to G nucleotide substitution at the -11 position of intron 9 of the BRCA1 gene. To our knowledge, functional studies have not been reported for this variant. This variant has not been reported in individuals affected with BRCA1-related disorders in the literature. This variant has not been identified in the general population by the Genome Aggregation Database (gnomAD). The available evidence is insufficient to determine the role of this variant in disease conclusively. Therefore, this variant is classified as a Variant of Uncertain Significance.

Sema4
Classification: Uncertain significance for Hereditary cancer-predisposing syndrome. Last evaluated: 2021-07-01. Review status: criteria provided, single submitter. Criteria: Sema4 Curation Guidelines. Collection method: curation. Allele origin: germline.
Comment: The BRCA1 c.671-11T>G variant has not been reported in the literature to our knowledge. This variant was not observed in the large and broad cohorts of the Genome Aggregation Database (PMID: 32461654). This variant has not been reported in ClinVar. In silico tools that predict the effect of sequence changes on splicing suggest that this variant has no impact on splicing, though these predictions have not been confirmed by functional studies. The overall evidence is insufficient to meet ACMG/AMP criteria for classifying it as benign or pathogenic. In summary, the clinical significance of this variant is currently uncertain.

NM_007294.4(BRCA1):c.671-11T>G

Gene: BRCA1 (BRCA1 DNA repair associated; minus strand). Cytogenetic location: 17q21.31.
Variant type: single nucleotide variant.
Coding change: c.671-11T>G on transcript NM_007294.4 (MANE Select); 11 bases into the intron before coding-DNA position 671, T replaced by G.
Molecular consequence: intron variant.
Genome position (GRCh38, 1-based): chr17:43,094,871, A>C on the plus strand (T>G on the coding strand, the complement: BRCA1 is on the minus strand). VCF-style: chr17-43094871-A-C. GRCh37 (hg19) VCF-style: chr17-41246888-A-C.
Other names: c.530-11T>G (NM_001408458.1, NM_001408469.1, NM_001408453.1 and 43 more transcripts); c.-218-11T>G (NM_001407967.1, NM_001407966.1); c.290-11T>G (NM_001407959.1, NM_001408510.1, NM_001407963.1 and 1 more transcripts); c.404-11T>G (NM_001407931.1, NM_001407932.1, NM_001408503.1 and 5 more transcripts); c.527-11T>G (NM_001407747.1, NM_001408470.1, NM_001407848.1 and 26 more transcripts); c.287-11T>G (NM_001407962.1); c.167-11T>G (NM_001408512.1, NM_001407965.1); c.461-11T>G (NM_001407885.1, NM_001407886.1, NM_001407881.1 and 25 more transcripts); and 20 more.
Identifiers: ClinVar variation 1692976 (VCV001692976.7), dbSNP rs1597880676, ClinGen allele CA2573154066.